The following is an entry in ClinVar:

NM_176824.3(BBS7):c.849+6T>G

Gene: BBS7 (Bardet-Biedl syndrome 7; minus strand). Cytogenetic location: 4q27.
Variant type: single nucleotide variant.
Coding change: c.849+6T>G on transcript NM_176824.3 (MANE Select); 6 bases into the intron after coding-DNA position 849, T replaced by G.
Molecular consequence: intron variant.
Genome position (GRCh38, 1-based): chr4:121,852,950, A>C on the plus strand (T>G on the coding strand, the complement: BBS7 is on the minus strand). VCF-style: chr4-121852950-A-C. GRCh37 (hg19) VCF-style: chr4-122774105-A-C.
Other names: c.849+6T>G (NM_018190.4).
Identifiers: ClinVar variation 1000523 (VCV001000523.3), dbSNP rs759955004, ClinGen allele CA3064395.

ClinVar aggregate classification (germline): Conflicting classifications of pathogenicity. Review status: criteria provided, conflicting classifications (1 of 4 stars). 2 submissions from 2 submitters: Uncertain significance (1); Likely benign (1). Last evaluated 2024-07-24.

Conditions:
Bardet-Biedl syndrome (BBS). Identifiers: Orphanet 110, MedGen C0752166, MONDO:0015229.

Allele frequency attached by ClinVar (database versions not stated): ExAC 0.00001; gnomAD exomes 0.00001; TOPMed 0.00002.
gnomAD v4.1: 5 of 1,613,350 alleles (0.00031%); highest among the groups gnomAD compares: East Asian, 0.0022%; no homozygotes.

Submissions (2):

Blueprint Genetics
Classification: Likely benign. Last evaluated: 2024-07-24. Review status: criteria provided, single submitter. Criteria: ACMG Guidelines, 2015. Collection method: clinical testing. Allele origin: germline.

Labcorp Genetics (formerly Invitae), Labcorp
Classification: Uncertain significance for Bardet-Biedl syndrome. Last evaluated: 2022-06-27. Review status: criteria provided, single submitter. Criteria: Invitae Variant Classification Sherloc (09022015). Collection method: clinical testing. Allele origin: germline.
Comment: This sequence change falls in intron 8 of the BBS7 gene. It does not directly change the encoded amino acid sequence of the BBS7 protein. It affects a nucleotide within the consensus splice site. This variant is present in population databases (rs759955004, gnomAD 0.006%). This variant has not been reported in the literature in individuals affected with BBS7-related conditions. ClinVar contains an entry for this variant (Variation ID: 1000523). Variants that disrupt the consensus splice site are a relatively common cause of aberrant splicing (PMID: 17576681, 9536098). Algorithms developed to predict the effect of sequence changes on RNA splicing suggest that this variant is not likely to affect RNA splicing. In summary, the available evidence is currently insufficient to determine the role of this variant in disease. Therefore, it has been classified as a Variant of Uncertain Significance.

Literature cited by the submitters: PubMed 17576681 (cited by Labcorp Genetics (formerly Invitae), Labcorp); PubMed 9536098 (cited by Labcorp Genetics (formerly Invitae), Labcorp).